The following is an entry in ClinVar:

NM_004369.4(COL6A3):c.6210+4dup

Gene: COL6A3 (collagen type VI alpha 3 chain; minus strand). Cytogenetic location: 2q37.3.
Variant type: Duplication.
Coding change: c.6210+4dup on transcript NM_004369.4 (MANE Select); 4 bases into the intron after coding-DNA position 6210, one base duplicated (A; older notation c.6210+4dupA).
Molecular consequence: intron variant.
Genome position (GRCh38, 1-based): chr2:237,361,117, T duplicated on the plus strand (A on the coding strand, the reverse complement: COL6A3 is on the minus strand); the first of 2 consecutive T bases (chr2:237,361,117-237,361,118); duplicating either gives the same sequence. VCF-style (leftmost placement, unchanged base first): chr2-237361116-C-CT. GRCh37 (hg19) VCF-style: chr2-238269759-C-CT.
Other names: c.4389+4dup (NM_057166.5); c.5592+4dup (NM_057167.4).
Identifiers: ClinVar variation 2745361 (VCV002745361.3), dbSNP rs2469864999, ClinGen allele CA2697550611.
Genomic context (GRCh38, chr2:237,361,116, plus strand): 5'-CAATCCCAATGGGTAAGGATCAAGGAGGGGGTGAAATTTTAGGGACTAAAACAATTTTTA[C>CT]TTACGGGTCCACCCTCATCACCAGGATAGCCTCGGTAGCCGTCTTCTCCAGGAATACCCT-3'

ClinVar aggregate classification (germline): Uncertain significance (1 of 4 stars; one submission).

Conditions:
Bethlem myopathy 1A. Also called: Bethlem myopathy 1; Bethlem Muscular Dystrophy; MYOPATHY, BENIGN CONGENITAL, WITH CONTRACTURES. Identifiers: Orphanet 610, MedGen CN029274, MONDO:0024530, OMIM 158810.

Submission:

Labcorp Genetics (formerly Invitae), Labcorp
Classification: Uncertain significance for Bethlem myopathy 1A. Last evaluated: 2023-07-19. Review status: criteria provided, single submitter. Criteria: Invitae Variant Classification Sherloc (09022015). Collection method: clinical testing. Allele origin: germline.
Comment: This sequence change falls in intron 16 of the COL6A3 gene. It does not directly change the encoded amino acid sequence of the COL6A3 protein. It affects a nucleotide within the consensus splice site. This variant is not present in population databases (gnomAD no frequency). This variant has not been reported in the literature in individuals affected with COL6A3-related conditions. Variants that disrupt the consensus splice site are a relatively common cause of aberrant splicing (PMID: 17576681, 9536098). Algorithms developed to predict the effect of sequence changes on RNA splicing suggest that this variant may disrupt the consensus splice site. In summary, the available evidence is currently insufficient to determine the role of this variant in disease. Therefore, it has been classified as a Variant of Uncertain Significance.

Literature cited by the submitters: PubMed 17576681; PubMed 9536098.